The following is an entry in ClinVar:

NM_012282.4(KCNE5):c.262G>A (p.Val88Ile)

Gene: KCNE5 (potassium voltage-gated channel subfamily E regulatory subunit 5; minus strand). Cytogenetic location: Xq23.
Variant type: single nucleotide variant.
Coding change: c.262G>A on transcript NM_012282.4 (MANE Select); coding-DNA position 262, G replaced by A.
Protein change: p.Val88Ile; replaces valine 88 with isoleucine.
Molecular consequence: missense variant.
Genome position (GRCh38, 1-based): chrX:109,624,759, C>T on the plus strand (G>A on the coding strand, the complement: KCNE5 is on the minus strand). VCF-style: chrX-109624759-C-T. GRCh37 (hg19) VCF-style: chrX-108867988-C-T.
Other names: c.262G>A (NM_012282.2); short protein forms V88I.
Identifiers: ClinVar variation 1513134 (VCV001513134.9), dbSNP rs145491359, ClinGen allele CA10490867.

ClinVar aggregate classification (germline): Uncertain significance. Review status: criteria provided, multiple submitters, no conflicts (2 of 4 stars). 2 submissions from 2 submitters: Uncertain significance (2). Last evaluated 2025-06-24.

Conditions:
Brugada syndrome. Also called: Sudden unexplained nocturnal death syndrome; Sudden unexpected nocturnal death syndrome; Sudden Unexplained Death Syndrome; Sudden Unexplained Nocturnal Death Syndrome (SUNDS). Identifiers: Orphanet 130, MedGen C1142166, MONDO:0015263.

Allele frequency attached by ClinVar (database versions not stated): gnomAD 0.00007 and 0.00009; ESP Exome Variant Server 0.00019; 1000 Genomes Project 30x 0.00021; 1000 Genomes Project 0.00026.
gnomAD v4.1: 19 of 1,210,731 alleles (0.0016%); highest among the groups gnomAD compares: African/African-American, 0.029%; no homozygotes.

Submissions (2):

Ambry Genetics
Classification: Uncertain significance. Last evaluated: 2025-06-24. Review status: criteria provided, single submitter. Criteria: Ambry Variant Classification Scheme 2023. Collection method: clinical testing. Allele origin: germline.

Labcorp Genetics (formerly Invitae), Labcorp
Classification: Uncertain significance for Brugada syndrome. Last evaluated: 2024-10-18. Review status: criteria provided, single submitter. Criteria: Invitae Variant Classification Sherloc (09022015). Collection method: clinical testing. Allele origin: germline.
Comment: This sequence change replaces valine, which is neutral and non-polar, with isoleucine, which is neutral and non-polar, at codon 88 of the KCNE5 protein (p.Val88Ile). This variant is present in population databases (rs145491359, gnomAD 0.06%), and has an allele count higher than expected for a pathogenic variant. This variant has not been reported in the literature in individuals affected with KCNE5-related conditions. ClinVar contains an entry for this variant (Variation ID: 1513134). An algorithm developed to predict the effect of missense changes on protein structure and function outputs the following: PolyPhen-2: "Benign". The isoleucine amino acid residue is found in multiple mammalian species, which suggests that this missense change does not adversely affect protein function. In summary, the available evidence is currently insufficient to determine the role of this variant in disease. Therefore, it has been classified as a Variant of Uncertain Significance.